The following is an entry in ClinVar:

ClinVar aggregate classification (germline): Uncertain significance (1 of 4 stars; one submission).

Allele frequency attached by ClinVar (database versions not stated): gnomAD exomes below 0.00001; TOPMed 0.00001.
gnomAD v4.1: 1 of 1,614,118 alleles (0.000062%); highest among the groups gnomAD compares: Admixed American, 0.0017%; no homozygotes.

Submission:

Labcorp Genetics (formerly Invitae), Labcorp
Classification: Uncertain significance. Last evaluated: 2022-08-31. Review status: criteria provided, single submitter. Criteria: Invitae Variant Classification Sherloc (09022015). Collection method: clinical testing. Allele origin: germline.
Comment: This sequence change replaces glutamic acid, which is acidic and polar, with valine, which is neutral and non-polar, at codon 313 of the GORAB protein (p.Glu313Val). This variant is present in population databases (no rsID available, gnomAD 0.003%). This variant has not been reported in the literature in individuals affected with GORAB-related conditions. Algorithms developed to predict the effect of missense changes on protein structure and function are either unavailable or do not agree on the potential impact of this missense change (SIFT: "Deleterious"; PolyPhen-2: "Probably Damaging"; Align-GVGD: "Class C0"). In summary, the available evidence is currently insufficient to determine the role of this variant in disease. Therefore, it has been classified as a Variant of Uncertain Significance.

NM_152281.3(GORAB):c.863A>T (p.Glu288Val)

Gene: GORAB (golgin, RAB6 interacting; plus strand). Cytogenetic location: 1q24.2.
Variant type: single nucleotide variant.
Coding change: c.863A>T on transcript NM_152281.3 (MANE Select); coding-DNA position 863, A replaced by T.
Protein change: p.Glu288Val; replaces glutamic acid 288 with valine.
Molecular consequence: missense variant. On other transcripts: non-coding transcript variant (1).
Genome position (GRCh38, 1-based): chr1:170,552,215, A>T. VCF-style: chr1-170552215-A-T. GRCh37 (hg19) VCF-style: chr1-170521356-A-T.
Other names: c.398A>T, p.Glu133Val (NM_001320252.2); c.812A>T, p.Glu271Val (NM_001410894.1); short protein forms E288V, E133V, E271V.
Identifiers: ClinVar variation 1955742 (VCV001955742.2), dbSNP rs1023916855, ClinGen allele CA32479961.